The following is an entry in ClinVar:

NM_138694.4(PKHD1):c.8151del (p.Gly2718fs)

Gene: PKHD1 (PKHD1 ciliary IPT domain containing fibrocystin/polyductin; minus strand). Cytogenetic location: 6p12.2.
Variant type: Deletion.
Coding change: c.8151del on transcript NM_138694.4 (MANE Select); coding-DNA position 8151, one base deleted (A; older notation c.8151delA).
Protein change: p.Gly2718fs; shifts the reading frame from glycine 2718.
Molecular consequence: frameshift variant.
Genome position (GRCh38, 1-based): chr6:51,836,426, T deleted on the plus strand (A on the coding strand, the reverse complement: PKHD1 is on the minus strand); the first of 2 consecutive T bases (chr6:51,836,426-51,836,427); deleting either gives the same sequence. VCF-style (leftmost placement, unchanged base first): chr6-51836425-CT-C. GRCh37 (hg19) VCF-style: chr6-51701223-CT-C.
Other names: c.8151del, p.Gly2718fs (NM_170724.3); c.8151delA (NM_138694.3); short protein forms G2718fs.
Identifiers: ClinVar variation 1071908 (VCV001071908.13), dbSNP rs1769233531, ClinGen allele CA1628547747.

ClinVar aggregate classification (germline): Pathogenic/Likely pathogenic. Review status: criteria provided, multiple submitters, no conflicts (2 of 4 stars). 4 submissions from 4 submitters: Pathogenic (1); Likely pathogenic (3). Last evaluated 2025-07-22.

Conditions:
Polycystic kidney disease 4 (PKD4). Also called: POLYCYSTIC KIDNEY AND HEPATIC DISEASE 1; POLYCYSTIC KIDNEY DISEASE, INFANTILE, TYPE I; POLYCYSTIC KIDNEY DISEASE 4 WITH OR WITHOUT POLYCYSTIC LIVER DISEASE; PKD3; Autosomal Recessive Polycystic Kidney Disease – PKHD1. Identifiers: MedGen C4540575, MONDO:0033004, OMIM 263200.
Autosomal recessive polycystic kidney disease (ARPKD). Also called: AR polycystic kidney disease. Identifiers: Orphanet 731, Orphanet 8378, MedGen C0085548, MeSH D017044, MONDO:0009889.

Submissions (4):

Natera, Inc.
Classification: Likely pathogenic for Autosomal recessive polycystic kidney disease. Last evaluated: 2025-07-22. Review status: criteria provided, single submitter. Criteria: Natera Variant Classification Schema (03/2026). Collection method: clinical testing. Allele origin: germline.
Comment: The c.8151delA variant in PKHD1 is a frameshift variant predicted to shift the reading frame beginning at codon 2718 and leads to a stop codon 17 codons downstream. This variant is expected to result in nonsense mediated decay, truncation, or a dysfunctional protein product. This variant is rare in the general population with a frequency below the threshold expected for the associated phenotype(s). Given the available evidence, this variant is classified as Likely Pathogenic.

Fulgent Genetics
Classification: Likely pathogenic for Polycystic kidney disease 4. Last evaluated: 2024-06-13. Review status: criteria provided, single submitter. Criteria: ACMG Guidelines, 2015. Collection method: clinical testing. Allele origin: germline.

Baylor Genetics
Classification: Likely pathogenic for Polycystic kidney disease 4. Last evaluated: 2024-02-26. Review status: criteria provided, single submitter. Criteria: ACMG Guidelines, 2015. Collection method: clinical testing. Allele origin: unknown.

Labcorp Genetics (formerly Invitae), Labcorp
Classification: Pathogenic for Autosomal recessive polycystic kidney disease. Last evaluated: 2020-07-22. Review status: criteria provided, single submitter. Criteria: Invitae Variant Classification Sherloc (09022015). Collection method: clinical testing. Allele origin: germline.
Comment: For these reasons, this variant has been classified as Pathogenic. Loss-of-function variants in PKHD1 are known to be pathogenic (PMID: 19940839). This variant has not been reported in the literature in individuals with PKHD1-related conditions. This variant is not present in population databases (ExAC no frequency). This sequence change creates a premature translational stop signal (p.Gly2718Valfs*17) in the PKHD1 gene. It is expected to result in an absent or disrupted protein product.

Literature cited by the submitters: PubMed 19940839 (cited by Labcorp Genetics (formerly Invitae), Labcorp).